The following is an entry in ClinVar:

NM_004304.5(ALK):c.4754G>A (p.Gly1585Asp)

Gene: ALK (ALK receptor tyrosine kinase; minus strand). Cytogenetic location: 2p23.2.
Variant type: single nucleotide variant.
Coding change: c.4754G>A on transcript NM_004304.5 (MANE Select); coding-DNA position 4754, G replaced by A.
Protein change: p.Gly1585Asp; replaces glycine 1585 with aspartic acid.
Molecular consequence: missense variant.
Genome position (GRCh38, 1-based): chr2:29,193,333, C>T on the plus strand (G>A on the coding strand, the complement: ALK is on the minus strand). VCF-style: chr2-29193333-C-T. GRCh37 (hg19) VCF-style: chr2-29416199-C-T.
Other names: c.1550G>A, p.Gly517Asp (NM_001353765.2); short protein forms G517D, G1585D.
Identifiers: ClinVar variation 4834303 (VCV004834303.1).

ClinVar aggregate classification (germline): Uncertain significance (1 of 4 stars; one submission).

Conditions:
Hereditary cancer-predisposing syndrome. Also called: Neoplastic Syndromes, Hereditary; Tumor predisposition; Hereditary Cancer Syndrome; Hereditary neoplastic syndrome. Identifiers: Orphanet 140162, MedGen C0027672, MeSH D009386, MONDO:0015356.

Submission:

Ambry Genetics
Classification: Uncertain significance for Hereditary cancer-predisposing syndrome. Last evaluated: 2026-03-02. Review status: criteria provided, single submitter. Criteria: Ambry Variant Classification Scheme 2023. Collection method: clinical testing. Allele origin: germline.
Comment: The p.G1585D variant (also known as c.4754G>A), located in coding exon 29 of the ALK gene, results from a G to A substitution at nucleotide position 4754. The glycine at codon 1585 is replaced by aspartic acid, an amino acid with similar properties. This amino acid position is conserved. In addition, the in silico prediction for this alteration is inconclusive. Based on the available evidence, the clinical significance of this variant remains unclear.